The following is an entry in ClinVar:

NM_139276.3(STAT3):c.1252T>C (p.Cys418Arg)

Gene: STAT3 (signal transducer and activator of transcription 3; minus strand). Cytogenetic location: 17q21.2.
Variant type: single nucleotide variant.
Coding change: c.1252T>C on transcript NM_139276.3 (MANE Select); coding-DNA position 1252, T replaced by C.
Protein change: p.Cys418Arg; replaces cysteine 418 with arginine.
Molecular consequence: missense variant.
Genome position (GRCh38, 1-based): chr17:42,329,439, A>G on the plus strand (T>C on the coding strand, the complement: STAT3 is on the minus strand). VCF-style: chr17-42329439-A-G. GRCh37 (hg19) VCF-style: chr17-40481457-A-G.
Other names: c.1252T>C, p.Cys418Arg (NM_213662.2, NM_001384991.1, NM_001384993.1 and 12 more transcripts); c.1192T>C, p.Cys398Arg (NM_001384992.1); c.1174T>C, p.Cys392Arg (NM_001384985.1); c.1267T>C, p.Cys423Arg (NM_001384986.1, NM_001384990.1); c.1156T>C, p.Cys386Arg (NM_001384989.1); short protein forms C398R, C418R, C386R, C392R, C423R.
Identifiers: ClinVar variation 2950605 (VCV002950605.3), dbSNP rs2144767237, ClinGen allele CA399588477.
Genomic context (GRCh38, chr17:42,329,439, plus strand): 5'-CCAGTTGTCTTTCATCCCCAACAAAACTTACATCACAATTGGCTCGGCCCCCATTCCCAC[A>G]TCTCTGCTCCCTCAGGGTCTGTAAGAAAAGAAAAAGGCAGGTGTCCTGTGAGGCTCTCCC-3'
Protein context (NP_644805.1, residues 408-428): FKHLTLREQR[Cys418Arg]GNGGRANCDA

ClinVar aggregate classification (germline): Uncertain significance (1 of 4 stars; one submission).

Conditions:
STAT3 gain of function. Identifiers: MedGen C4288261.
Hyper-IgE recurrent infection syndrome 1, autosomal dominant. Also called: STAT3 Hyper IgE Syndrome; Hyper-IgE recurrent infection syndrome 1; JOB SYNDROME; HYPER-IgE SYNDROME 1, AUTOSOMAL DOMINANT, WITH RECURRENT INFECTIONS; Job's Syndrome. Identifiers: Orphanet 2314, MedGen C2936739, MONDO:0007818, OMIM 147060.

Submission:

Labcorp Genetics (formerly Invitae), Labcorp
Classification: Uncertain significance for STAT3 gain of function; Hyper-IgE recurrent infection syndrome 1, autosomal dominant. Last evaluated: 2024-03-27. Review status: criteria provided, single submitter. Criteria: Invitae Variant Classification Sherloc (09022015). Collection method: clinical testing. Allele origin: germline.
Comment: This sequence change replaces cysteine, which is neutral and slightly polar, with arginine, which is basic and polar, at codon 418 of the STAT3 protein (p.Cys418Arg). This variant is not present in population databases (gnomAD no frequency). This variant has not been reported in the literature in individuals affected with STAT3-related conditions. Advanced modeling of protein sequence and biophysical properties (such as structural, functional, and spatial information, amino acid conservation, physicochemical variation, residue mobility, and thermodynamic stability) performed at Invitae indicates that this missense variant is not expected to disrupt STAT3 protein function with a negative predictive value of 95%. In summary, the available evidence is currently insufficient to determine the role of this variant in disease. Therefore, it has been classified as a Variant of Uncertain Significance.